The following is an entry in ClinVar:

NM_001379286.1(ZNF423):c.785C>T (p.Ser262Leu)

Gene: ZNF423 (zinc finger protein 423; minus strand). Cytogenetic location: 16q12.1.
Variant type: single nucleotide variant.
Coding change: c.785C>T on transcript NM_001379286.1 (MANE Select); coding-DNA position 785, C replaced by T.
Protein change: p.Ser262Leu; replaces serine 262 with leucine.
Molecular consequence: missense variant.
Genome position (GRCh38, 1-based): chr16:49,638,391, G>A on the plus strand (C>T on the coding strand, the complement: ZNF423 is on the minus strand). VCF-style: chr16-49638391-G-A. GRCh37 (hg19) VCF-style: chr16-49672302-G-A.
Other names: c.581C>T, p.Ser194Leu (NM_001271620.2); c.410C>T, p.Ser137Leu (NM_001330533.2); c.761C>T, p.Ser254Leu (NM_015069.5); short protein forms S137L, S194L, S254L, S262L.
Identifiers: ClinVar variation 1025501 (VCV001025501.6), dbSNP rs773775408, ClinGen allele CA8046822.

ClinVar aggregate classification (germline): Uncertain significance. Review status: criteria provided, multiple submitters, no conflicts (2 of 4 stars). 3 submissions from 3 submitters: Uncertain significance (3). Last evaluated 2025-12-24.

Conditions:
ZNF423-related disorder. Also called: ZNF423-related condition.
Nephronophthisis 14 (NPHP14). Identifiers: Orphanet 2318, MedGen C3539071, MONDO:0013916, OMIM 614844.

Allele frequency attached by ClinVar (database versions not stated): gnomAD exomes 0.00003; gnomAD 0.00004 and 0.00005; TOPMed 0.00005; ExAC 0.00003.
gnomAD v4.1: 54 of 1,613,896 alleles (0.0033%); highest among the groups gnomAD compares: Middle Eastern, 0.016%; no homozygotes.

Submissions (3):

PreventionGenetics, part of Exact Sciences
Classification: Uncertain significance for ZNF423-related condition. Last evaluated: 2025-12-24. Review status: criteria provided, single submitter. Criteria: ACMG Guidelines, 2015. Collection method: clinical testing. Allele origin: germline.
Comment: The ZNF423 c.761C>T variant is predicted to result in the amino acid substitution p.Ser254Leu. To our knowledge, this variant has not been reported in the literature. This variant is reported in 0.0053% of alleles in individuals of European (Non-Finnish) descent in gnomAD. At this time, the clinical significance of this variant is uncertain due to the absence of conclusive functional and genetic evidence.

Labcorp Genetics (formerly Invitae), Labcorp
Classification: Uncertain significance for Nephronophthisis 14. Last evaluated: 2022-03-28. Review status: criteria provided, single submitter. Criteria: Invitae Variant Classification Sherloc (09022015). Collection method: clinical testing. Allele origin: germline.
Comment: This sequence change replaces serine, which is neutral and polar, with leucine, which is neutral and non-polar, at codon 254 of the ZNF423 protein (p.Ser254Leu). This variant is present in population databases (rs773775408, gnomAD 0.005%). This variant has not been reported in the literature in individuals affected with ZNF423-related conditions. ClinVar contains an entry for this variant (Variation ID: 1025501). Algorithms developed to predict the effect of missense changes on protein structure and function (SIFT, PolyPhen-2, Align-GVGD) all suggest that this variant is likely to be tolerated. In summary, the available evidence is currently insufficient to determine the role of this variant in disease. Therefore, it has been classified as a Variant of Uncertain Significance.

Fulgent Genetics
Classification: Uncertain significance for Nephronophthisis 14. Last evaluated: 2021-07-23. Review status: criteria provided, single submitter. Criteria: ACMG Guidelines, 2015. Collection method: clinical testing. Allele origin: unknown.